The following is an entry in ClinVar:

NM_001127671.2(LIFR):c.2806C>T (p.Arg936Cys)

Gene: LIFR (LIF receptor subunit alpha; minus strand). Cytogenetic location: 5p13.1.
Variant type: single nucleotide variant.
Coding change: c.2806C>T on transcript NM_001127671.2 (MANE Select); coding-DNA position 2806, C replaced by T.
Protein change: p.Arg936Cys; replaces arginine 936 with cysteine.
Molecular consequence: missense variant.
Genome position (GRCh38, 1-based): chr5:38,482,083, G>A on the plus strand (C>T on the coding strand, the complement: LIFR is on the minus strand). VCF-style: chr5-38482083-G-A. GRCh37 (hg19) VCF-style: chr5-38482185-G-A.
Other names: c.2806C>T, p.Arg936Cys (NM_001364297.2, NM_002310.6); c.2773C>T, p.Arg925Cys (NM_001364298.2); short protein forms R925C, R936C.
Identifiers: ClinVar variation 3711067 (VCV003711067.2).
Genomic context (GRCh38, chr5:38,482,083, plus strand): 5'-CCTCAATGATGGGTGGACAATAGGACACAACCACATGGTTTTCAGGCTCTGCATCAGAGC[G>A]ATCTTCAGGACGCTCAGCTACTGGGGAAATTATTTCTGTATCTTCTATTTTAGGAAATGC-3'
Protein context (NP_001121143.1, residues 926-946): ISPVAERPED[Arg936Cys]SDAEPENHVV

ClinVar aggregate classification (germline): Uncertain significance (1 of 4 stars; one submission).

gnomAD v4.1: 10 of 1,600,660 alleles (0.00062%); highest among the groups gnomAD compares: South Asian, 0.0045%; no homozygotes.

Submission:

Labcorp Genetics (formerly Invitae), Labcorp
Classification: Uncertain significance. Last evaluated: 2024-04-08. Review status: criteria provided, single submitter. Criteria: Invitae Variant Classification Sherloc (09022015). Collection method: clinical testing. Allele origin: germline.
Comment: This sequence change replaces arginine, which is basic and polar, with cysteine, which is neutral and slightly polar, at codon 936 of the LIFR protein (p.Arg936Cys). This variant is present in population databases (rs746053471, gnomAD 0.007%). This variant has not been reported in the literature in individuals affected with LIFR-related conditions. An algorithm developed to predict the effect of missense changes on protein structure and function (PolyPhen-2) suggests that this variant is likely to be tolerated. In summary, the available evidence is currently insufficient to determine the role of this variant in disease. Therefore, it has been classified as a Variant of Uncertain Significance.